The following is an entry in ClinVar:

ClinVar aggregate classification (germline): Uncertain significance (1 of 4 stars; one submission).

Conditions:
Brachyolmia-amelogenesis imperfecta syndrome. Also called: Dental anomalies and short stature; PLATYSPONDYLY WITH AMELOGENESIS IMPERFECTA; Tooth agenesis, selective, 6. Identifiers: Orphanet 2899, MedGen C1832594, MONDO:0011018, OMIM 601216. Disease mechanism: loss of function.

Submission:

Labcorp Genetics (formerly Invitae), Labcorp
Classification: Uncertain significance for Brachyolmia-amelogenesis imperfecta syndrome. Last evaluated: 2024-09-28. Review status: criteria provided, single submitter. Criteria: Invitae Variant Classification Sherloc (09022015). Collection method: clinical testing. Allele origin: germline.
Comment: This variant, c.3648_3650del, results in the deletion of 1 amino acid(s) of the LTBP3 protein (p.Glu1216del), but otherwise preserves the integrity of the reading frame. This variant is not present in population databases (gnomAD no frequency). This variant has not been reported in the literature in individuals affected with LTBP3-related conditions. Experimental studies and prediction algorithms are not available or were not evaluated, and the functional significance of this variant is currently unknown. In summary, the available evidence is currently insufficient to determine the role of this variant in disease. Therefore, it has been classified as a Variant of Uncertain Significance.

NM_001130144.3(LTBP3):c.3645GGA[1] (p.Glu1216del)

Gene: LTBP3 (latent transforming growth factor beta binding protein 3; minus strand). Cytogenetic location: 11q13.1.
Variant type: Microsatellite.
Coding change: c.3645GGA[1] on transcript NM_001130144.3 (MANE Select); one copy of the 3-base unit GGA starting at c.3645; the reference has two copies in a row; one copy, 3 bases deleted.
Protein change: p.Glu1216del; deletes glutamic acid 1216.
Molecular consequence: inframe deletion.
Genome position (GRCh38, 1-based): chr11:65,539,438-65,539,440, TCC deleted on the plus strand (GGA on the coding strand, the reverse complement: LTBP3 is on the minus strand); deleting any 3 consecutive bases within chr11:65,539,438-65,539,445 gives the same sequence; the position shown is the placement nearest the transcript's 3' end. VCF-style (leftmost placement, unchanged base first): chr11-65539437-ATCC-A. GRCh37 (hg19) VCF-style: chr11-65306908-ATCC-A.
Other names: c.3153GGA[1], p.Glu1052del (NM_001164266.1); c.3504GGA[1], p.Glu1169del (NM_021070.4); short protein forms E1052del, E1216del, E1169del.
Identifiers: ClinVar variation 1936550 (VCV001936550.5), dbSNP rs1398364354, ClinGen allele CA679328526.